The following is an entry in ClinVar:

ClinVar aggregate classification (germline): Benign. Review status: criteria provided, multiple submitters, no conflicts (2 of 4 stars). 12 submissions from 11 submitters: Benign (10). 2 of the submissions do not count toward it. Last evaluated 2026-02-03.

Conditions:
Bietti crystalline corneoretinal dystrophy (BCD). Also called: Bietti Crystalline Dystrophy; BIETTI TAPETORETINAL DEGENERATION WITH MARGINAL CORNEAL DYSTROPHY. Identifiers: Orphanet 41751, MedGen C1859486, MONDO:0008865, OMIM 210370.
Retinal dystrophy. Also called: Inherited retinal dystrophy. Identifiers: Orphanet 71862, MedGen C0854723, MeSH D058499, MONDO:0019118, HP:0000556.
Corneal dystrophy. Identifiers: Orphanet 34533, MedGen C0010036, MONDO:0018102, HP:0001131.

Allele frequency attached by ClinVar (database versions not stated): 1000 Genomes Project 0.57748; TOPMed 0.59845; gnomAD 0.61879 and 0.62273; ESP Exome Variant Server 0.63994.
gnomAD v4.1: 1,029,875 of 1,612,346 alleles (64%); highest among the groups gnomAD compares: Non-Finnish European, 66%; 333,647 homozygotes.

Submissions (12):

Labcorp Genetics (formerly Invitae), Labcorp
Classification: Benign. Last evaluated: 2026-02-03. Review status: criteria provided, single submitter. Criteria: Invitae Variant Classification Sherloc (09022015). Collection method: clinical testing. Allele origin: germline.

Blueprint Genetics
Classification: Benign. Last evaluated: 2024-11-26. Review status: criteria provided, single submitter. Criteria: ACMG Guidelines, 2015. Collection method: clinical testing. Allele origin: germline.

Dept Of Ophthalmology, Nagoya University
Classification: Benign for Retinal dystrophy. Last evaluated: 2023-10-01. Review status: criteria provided, single submitter. Criteria: Submitter's publication. Collection method: research. Allele origin: germline. Affected: yes.

Genome-Nilou Lab
Classification: Benign for Bietti crystalline corneoretinal dystrophy. Last evaluated: 2021-07-30. Review status: criteria provided, single submitter. Criteria: ACMG Guidelines, 2015. Collection method: clinical testing. Allele origin: germline. Affected: no.

GeneDx
Classification: Benign. Last evaluated: 2018-12-18. Review status: criteria provided, single submitter. Criteria: GeneDx Variant Classification Process June 2021. Collection method: clinical testing. Allele origin: germline. Affected: yes.

Illumina Laboratory Services, Illumina
Classification: Benign for Corneal dystrophy. Last evaluated: 2018-01-12. Review status: criteria provided, single submitter. Criteria: ICSL Variant Classification Criteria 13 December 2019. Collection method: clinical testing. Allele origin: germline.
Comment: This variant was observed in the ICSL laboratory as part of a predisposition screen in an ostensibly healthy population. It had not been previously curated by ICSL or reported in the Human Gene Mutation Database (HGMD: prior to June 1st, 2018), and was therefore a candidate for classification through an automated scoring system. Utilizing variant allele frequency, disease prevalence and penetrance estimates, and inheritance mode, an automated score was calculated to assess if this variant is too frequent to cause the disease. Based on the score and internal cut-off values, a variant classified as benign is not then subjected to further curation. The score for this variant resulted in a classification of benign for this disease.

Illumina Laboratory Services, Illumina
Classification: Benign for Bietti crystalline corneoretinal dystrophy. Last evaluated: 2018-01-12. Review status: criteria provided, single submitter. Criteria: ICSL Variant Classification Criteria 13 December 2019. Collection method: clinical testing. Allele origin: germline.
Comment: the same text as in the submission from Illumina Laboratory Services, Illumina above.

Eurofins Ntd Llc (ga)
Classification: Benign. Last evaluated: 2014-03-17. Review status: criteria provided, single submitter. Criteria: EGL Classification Definitions 2015. Collection method: clinical testing. Allele origin: germline. Observed: 5 variant alleles, 3 heterozygotes, 2 homozygotes.

Breakthrough Genomics
Classification: Benign. Review status: criteria provided, single submitter. Criteria: ACMG Guidelines, 2015. Collection method: not provided. Allele origin: germline. Inheritance: Autosomal recessive inheritance. Affected: yes.

PreventionGenetics, part of Exact Sciences
Classification: Benign. Review status: criteria provided, single submitter. Criteria: ACMG Guidelines, 2015. Collection method: clinical testing. Allele origin: germline.

Diagnostic Laboratory, Department of Genetics, University Medical Center Groningen
Classification: Benign. Review status: no assertion criteria provided. Collection method: clinical testing. Allele origin: germline. Affected: yes. Study: VKGL Data-share Consensus. Not counted in ClinVar's aggregate classification.

Joint Genome Diagnostic Labs from Nijmegen and Maastricht, Radboudumc and MUMC+
Classification: Benign. Review status: no assertion criteria provided. Collection method: clinical testing. Allele origin: germline. Affected: yes. Study: VKGL Data-share Consensus. Not counted in ClinVar's aggregate classification.

NM_207352.4(CYP4V2):c.810T>G (p.Ala270=)

Gene: CYP4V2 (cytochrome P450 family 4 subfamily V member 2; plus strand). Cytogenetic location: 4q35.2.
Variant type: single nucleotide variant.
Coding change: c.810T>G on transcript NM_207352.4 (MANE Select); coding-DNA position 810, T replaced by G.
Protein change: p.Ala270=; no amino-acid change (alanine 270 retained).
Molecular consequence: synonymous variant.
Genome position (GRCh38, 1-based): chr4:186,201,165, T>G. VCF-style: chr4-186201165-T-G. GRCh37 (hg19) VCF-style: chr4-187122319-T-G.
Identifiers: ClinVar variation 166976 (VCV000166976.29), dbSNP rs3736455, ClinGen allele CA179958.